The following is an entry in ClinVar:

ClinVar aggregate classification (germline): Pathogenic (1 of 4 stars; one submission).

Conditions:
Breast-ovarian cancer, familial, susceptibility to, 4. Identifiers: Orphanet 145, MedGen C3280345, MONDO:0013669, OMIM 614291.

Submission:

Myriad Genetics, Inc.
Classification: Pathogenic for Breast-ovarian cancer, familial, susceptibility to, 4. Last evaluated: 2024-01-04. Review status: criteria provided, single submitter. Criteria: Myriad Autosomal Dominant, Autosomal Recessive and X-Linked Classification Criteria (2023). Collection method: clinical testing. Allele origin: unknown.
Comment: This variant is considered pathogenic. This variant creates a frameshift predicted to result in premature protein truncation.

NM_002878.4(RAD51D):c.195dup (p.Val66fs)

Genes: RAD51L3-RFFL (RAD51L3-RFFL readthrough; minus strand), RAD51D (RAD51 paralog D; minus strand). Cytogenetic location: 17q12.
Variant type: Duplication.
Coding change: c.195dup on transcript NM_002878.4 (MANE Select); coding-DNA position 195, one base duplicated (C; older notation c.195dupC).
Protein change: p.Val66fs; shifts the reading frame from valine 66.
Molecular consequence: frameshift variant. On other transcripts: intron variant (2).
Genome position (GRCh38, 1-based): chr17:35,118,569, G duplicated on the plus strand (C on the coding strand, the reverse complement: RAD51D is on the minus strand); the first of 4 consecutive G bases (chr17:35,118,569-35,118,572); duplicating any one gives the same sequence. VCF-style (leftmost placement, unchanged base first): chr17-35118568-C-CG. GRCh37 (hg19) VCF-style: chr17-33445587-C-CG.
Other names: c.144+542dup (NM_133629.3, NM_001142571.2); short protein forms V66fs.
Identifiers: ClinVar variation 3148419 (VCV003148419.1), dbSNP rs2509181990, ClinGen allele CA2825002495.